The following is an entry in ClinVar:

NM_004208.4(AIFM1):c.1337A>G (p.Lys446Arg)

Genes: RAB33A (RAB33A, member RAS oncogene family; plus strand), AIFM1 (apoptosis inducing factor mitochondria associated 1; minus strand). Cytogenetic location: Xq26.1.
Variant type: single nucleotide variant.
Coding change: c.1337A>G on transcript NM_004208.4 (MANE Select); coding-DNA position 1337, A replaced by G.
Protein change: p.Lys446Arg; replaces lysine 446 with arginine.
Molecular consequence: missense variant. On other transcripts: 3 prime UTR variant (1), non-coding transcript variant (1).
Genome position (GRCh38, 1-based): chrX:130,133,424, T>C on the plus strand (A>G on the coding strand, the complement: AIFM1 is on the minus strand). VCF-style: chrX-130133424-T-C. GRCh37 (hg19) VCF-style: chrX-129267399-T-C.
Other names: c.320A>G, p.Lys107Arg (NM_001130846.4); c.*565A>G (NM_001130847.4); c.1325A>G, p.Lys442Arg (NM_145812.3); short protein forms K107R, K442R, K446R.
Identifiers: ClinVar variation 2942330 (VCV002942330.4), dbSNP rs2523110429, ClinGen allele CA414573789.

ClinVar aggregate classification (germline): Uncertain significance (1 of 4 stars; one submission).

Conditions:
Combined oxidative phosphorylation deficiency. Identifiers: MedGen C4540031, MONDO:0000732.
Charcot-Marie-Tooth Neuropathy X. Identifiers: MedGen CN118851.

Allele frequency attached by ClinVar (database versions not stated): gnomAD exomes below 0.00001.
gnomAD v4.1: 1 of 1,210,572 alleles (0.000083%); highest among the groups gnomAD compares: Non-Finnish European, 0.00011%; no homozygotes.

Submissions (3):

Labcorp Genetics (formerly Invitae), Labcorp
Classification: Uncertain significance for Charcot-Marie-Tooth Neuropathy X; Combined oxidative phosphorylation deficiency. Last evaluated: 2022-12-15. Review status: criteria provided, single submitter. Criteria: Invitae Variant Classification Sherloc (09022015). Collection method: clinical testing. Allele origin: germline.
Comment: Algorithms developed to predict the effect of missense changes on protein structure and function (SIFT, PolyPhen-2, Align-GVGD) all suggest that this variant is likely to be tolerated. This variant has not been reported in the literature in individuals affected with AIFM1-related conditions. This variant is not present in population databases (gnomAD no frequency). This sequence change replaces lysine, which is basic and polar, with arginine, which is basic and polar, at codon 446 of the AIFM1 protein (p.Lys446Arg). Algorithms developed to predict the effect of sequence changes on RNA splicing suggest that this variant may create or strengthen a splice site. In summary, the available evidence is currently insufficient to determine the role of this variant in disease. Therefore, it has been classified as a Variant of Uncertain Significance.

Dr. Peter K. Rogan Lab, Western University
No classification provided (evidence only). Condition: Thyroid cancer, nonmedullary, 1. Review status: no classification provided. Collection method: in vitro. Allele origin: not applicable. Functional consequence: retained intron. Not counted in ClinVar's aggregate classification.

Dr. Peter K. Rogan Lab, Western University
No classification provided (evidence only). Condition: Thyroid cancer, nonmedullary, 1. Review status: no classification provided. Collection method: in vitro. Allele origin: not applicable. Functional consequence: retained intron. Not counted in ClinVar's aggregate classification.